The following is an entry in ClinVar:

ClinVar aggregate classification (germline): Uncertain significance (1 of 4 stars; one submission).

gnomAD v4.1: 4 of 1,439,436 alleles (0.00028%); highest among the groups gnomAD compares: East Asian, 0.0023%; no homozygotes.

Submission:

Labcorp Genetics (formerly Invitae), Labcorp
Classification: Uncertain significance. Last evaluated: 2022-08-19. Review status: criteria provided, single submitter. Criteria: Invitae Variant Classification Sherloc (09022015). Collection method: clinical testing. Allele origin: germline.
Comment: This sequence change falls in intron 13 of the SCLT1 gene. It does not directly change the encoded amino acid sequence of the SCLT1 protein. It affects a nucleotide within the consensus splice site. This variant is present in population databases (no rsID available, gnomAD 0.006%). This variant has not been reported in the literature in individuals affected with SCLT1-related conditions. Variants that disrupt the consensus splice site are a relatively common cause of aberrant splicing (PMID: 17576681, 9536098). Algorithms developed to predict the effect of sequence changes on RNA splicing suggest that this variant may disrupt the consensus splice site. In summary, the available evidence is currently insufficient to determine the role of this variant in disease. Therefore, it has been classified as a Variant of Uncertain Significance.

Literature cited by the submitters: PubMed 17576681; PubMed 9536098.

NM_144643.4(SCLT1):c.1147-3C>T

Gene: SCLT1 (sodium channel and clathrin linker 1; minus strand). Cytogenetic location: 4q28.2.
Variant type: single nucleotide variant.
Coding change: c.1147-3C>T on transcript NM_144643.4 (MANE Select); 3 bases into the intron before coding-DNA position 1147, C replaced by T.
Molecular consequence: intron variant.
Genome position (GRCh38, 1-based): chr4:128,952,843, G>A on the plus strand (C>T on the coding strand, the complement: SCLT1 is on the minus strand). VCF-style: chr4-128952843-G-A. GRCh37 (hg19) VCF-style: chr4-129873998-G-A.
Identifiers: ClinVar variation 2075539 (VCV002075539.1), dbSNP rs1209814125, ClinGen allele CA554755519.
Genomic context (GRCh38, chr4:128,952,843, plus strand): 5'-AAAGTTCTTCTGTTAATCGAGAAATTTGTATATTACATTGTTTTTTGGTGTTTGCAACCT[G>A]TAAATTAAGACATTTACTCATTATTTGGTTCTAGAATAAAAATGATTAATATCTGATAAA-3'